The following is an entry in ClinVar:

NM_000428.3(LTBP2):c.208A>G (p.Ser70Gly)

Gene: LTBP2 (latent transforming growth factor beta binding protein 2; minus strand). Cytogenetic location: 14q24.3.
Variant type: single nucleotide variant.
Coding change: c.208A>G on transcript NM_000428.3 (MANE Select); coding-DNA position 208, A replaced by G.
Protein change: p.Ser70Gly; replaces serine 70 with glycine.
Molecular consequence: missense variant.
Genome position (GRCh38, 1-based): chr14:74,611,737, T>C on the plus strand (A>G on the coding strand, the complement: LTBP2 is on the minus strand). VCF-style: chr14-74611737-T-C. GRCh37 (hg19) VCF-style: chr14-75078440-T-C.
Other names: short protein forms S70G.
Identifiers: ClinVar variation 727631 (VCV000727631.18), dbSNP rs201787294, ClinGen allele CA7270247.

ClinVar aggregate classification (germline): Conflicting classifications of pathogenicity. Review status: criteria provided, conflicting classifications (1 of 4 stars). 7 submissions from 6 submitters: Uncertain significance (2); Benign (2); Likely benign (3). Last evaluated 2026-04-03.

Conditions:
Glaucoma 3, primary congenital, D. Identifiers: Orphanet 98976, MedGen C2751316, MONDO:0013122, OMIM 613086.
Inborn genetic diseases. Identifiers: MedGen C0950123, MeSH D030342.
LTBP2-related disorder. Also called: LTBP2-related disorders; LTBP2-related condition.
Weill-Marchesani syndrome. Also called: WM Syndrome; Mesodermal dysmorphodystrophy congenital. Identifiers: Orphanet 3449, MedGen C0265313, MONDO:0018096.

Allele frequency attached by ClinVar (database versions not stated): gnomAD exomes 0.00061; ExAC 0.00101; gnomAD 0.00220 and 0.00237; TOPMed 0.00249; ESP Exome Variant Server 0.00294; 1000 Genomes Project 0.00319; 1000 Genomes Project 30x 0.00328.
gnomAD v4.1: 666 of 1,603,970 alleles (0.042%); highest among the groups gnomAD compares: African/African-American, 0.7%; 3 homozygotes.

Submissions (7):

PreventionGenetics, part of Exact Sciences
Classification: Likely benign for LTBP2-related condition. Last evaluated: 2026-04-03. Review status: criteria provided, single submitter. Criteria: ACMG Guidelines, 2015. Collection method: clinical testing. Allele origin: germline.
Comment: This variant is classified as likely benign based on ACMG/AMP sequence variant interpretation guidelines (Richards et al. 2015 PMID: 25741868, with internal and published modifications).

Labcorp Genetics (formerly Invitae), Labcorp
Classification: Benign. Last evaluated: 2026-01-11. Review status: criteria provided, single submitter. Criteria: Invitae Variant Classification Sherloc (09022015). Collection method: clinical testing. Allele origin: germline.

Ambry Genetics
Classification: Uncertain significance for Inborn genetic diseases. Last evaluated: 2025-05-19. Review status: criteria provided, single submitter. Criteria: Ambry Variant Classification Scheme 2023. Collection method: clinical testing. Allele origin: germline.

Blueprint Genetics
Classification: Likely benign. Last evaluated: 2024-08-27. Review status: criteria provided, single submitter. Criteria: ACMG Guidelines, 2015. Collection method: clinical testing. Allele origin: germline.

GeneDx
Classification: Likely benign. Last evaluated: 2019-09-06. Review status: criteria provided, single submitter. Criteria: GeneDx Variant Classification Process June 2021. Collection method: clinical testing. Allele origin: germline. Affected: yes.

Illumina Laboratory Services, Illumina
Classification: Benign for Weill-Marchesani syndrome. Last evaluated: 2017-05-11. Review status: criteria provided, single submitter. Criteria: ICSL Variant Classification Criteria 13 December 2019. Collection method: clinical testing. Allele origin: germline.
Comment: This variant was observed as part of a predisposition screen in an ostensibly healthy population. A literature search was performed for the gene, cDNA change, and amino acid change (where applicable). No publications were found based on this search. Allele frequency data from public databases was too high to be consistent with this variant causing disease. Therefore, this variant is classified as benign.

Illumina Laboratory Services, Illumina
Classification: Uncertain significance for Glaucoma 3, primary congenital, D. Last evaluated: 2017-04-27. Review status: criteria provided, single submitter. Criteria: ICSL Variant Classification Criteria 13 December 2019. Collection method: clinical testing. Allele origin: germline.